The following is an entry in ClinVar:

NM_001002295.2(GATA3):c.815C>T (p.Thr272Ile)

Gene: GATA3 (GATA binding protein 3; plus strand). Cytogenetic location: 10p14.
Variant type: single nucleotide variant.
Coding change: c.815C>T on transcript NM_001002295.2 (MANE Select); coding-DNA position 815, C replaced by T.
Protein change: p.Thr272Ile; replaces threonine 272 with isoleucine.
Molecular consequence: missense variant.
Genome position (GRCh38, 1-based): chr10:8,064,029, C>T. VCF-style: chr10-8064029-C-T. GRCh37 (hg19) VCF-style: chr10-8105992-C-T.
Other names: c.812C>T, p.Thr271Ile (NM_002051.3); short protein forms T271I, T272I.
Identifiers: ClinVar variation 1687685 (VCV001687685.3), dbSNP rs2131500523, ClinGen allele CA375973451.

ClinVar aggregate classification (germline): Pathogenic/Likely pathogenic. Review status: criteria provided, multiple submitters, no conflicts (2 of 4 stars). 2 submissions from 2 submitters: Pathogenic (1); Likely pathogenic (1). Last evaluated 2026-09-04.

Conditions:
Monogenic hearing loss.

Submissions (2):

North West Genomic Laboratory Hub, Manchester University NHS Foundation Trust
Classification: Likely pathogenic for Monogenic hearing loss. Last evaluated: 2026-09-04. Review status: criteria provided, single submitter. Criteria: ACGS Best Practice Guidelines for Variant Classification in Rare Disease 2024. Collection method: clinical testing. Allele origin: germline. Affected: yes.
Comment: PP3_Supp PM6_Supp PM1_Supp PM2_Mod PS4_Supp PS3_Supp

GeneDx
Classification: Pathogenic. Last evaluated: 2021-11-29. Review status: criteria provided, single submitter. Criteria: GeneDx Variant Classification Process June 2021. Collection method: clinical testing. Allele origin: germline. Affected: yes.
Comment: Published functional studies demonstrate T272I reduces efficiency of DNA binding and disrupts the transcriptional activity of the protein (Gaynor et al., 2009); Not observed at significant frequency in large population cohorts (gnomAD); In silico analysis supports that this missense variant has a deleterious effect on protein structure/function; This variant is associated with the following publications: (PMID: 23203342, 19723756)